The following is an entry in ClinVar:

NM_024426.6(WT1):c.307G>C (p.Gly103Arg)

Genes: WT1 (WT1 transcription factor; minus strand), LOC107982234 (WT1/WT1-AS bi-directional promoter region; plus strand). Cytogenetic location: 11p13.
Variant type: single nucleotide variant.
Coding change: c.307G>C on transcript NM_024426.6 (MANE Select); coding-DNA position 307, G replaced by C.
Protein change: p.Gly103Arg; replaces glycine 103 with arginine.
Molecular consequence: missense variant. On other transcripts: non-coding transcript variant (2).
Genome position (GRCh38, 1-based): chr11:32,435,054, C>G on the plus strand (G>C on the coding strand, the complement: WT1 is on the minus strand). VCF-style: chr11-32435054-C-G. GRCh37 (hg19) VCF-style: chr11-32456600-C-G.
Other names: c.307G>C, p.Gly103Arg (NM_000378.6, NM_001407044.1, NM_001407045.1 and 6 more transcripts); c.88G>C, p.Gly30Arg (NM_001429031.1, NM_001429032.1, NM_001429033.1 and 1 more transcripts); short protein forms G30R, G98R, G103R.
Identifiers: ClinVar variation 3982452 (VCV003982452.1).

ClinVar aggregate classification (germline): Uncertain significance (1 of 4 stars; one submission).

Conditions:
Inborn genetic diseases. Identifiers: MedGen C0950123, MeSH D030342.

gnomAD v4.1: 1 of 1,466,444 alleles (0.000068%); highest among the groups gnomAD compares: Non-Finnish European, 0.000089%; no homozygotes.

Submission:

Ambry Genetics
Classification: Uncertain significance for Inborn genetic diseases. Last evaluated: 2025-04-19. Review status: criteria provided, single submitter. Criteria: Ambry Variant Classification Scheme 2023. Collection method: clinical testing. Allele origin: germline.
Comment: The p.G98R variant (also known as c.292G>C), located in coding exon 1 of the WT1 gene, results from a G to C substitution at nucleotide position 292. The glycine at codon 98 is replaced by arginine, an amino acid with dissimilar properties. This amino acid position is conserved. In addition, this alteration is predicted to be tolerated by in silico analysis. Based on the available evidence, the clinical significance of this variant remains unclear.